The following is an entry in ClinVar:

ClinVar aggregate classification (germline): Uncertain significance (1 of 4 stars; one submission).

Submission:

GeneDx
Classification: Uncertain significance. Last evaluated: 2024-11-26. Review status: criteria provided, single submitter. Criteria: GeneDx Variant Classification Process June 2021. Collection method: clinical testing. Allele origin: germline. Affected: yes.
Comment: Not observed at significant frequency in large population cohorts (gnomAD); In silico analysis supports that this missense variant has a deleterious effect on protein structure/function; Has not been previously published as pathogenic or benign to our knowledge

NM_170606.3(KMT2C):c.14063C>A (p.Thr4688Asn)

Gene: KMT2C (lysine methyltransferase 2C; minus strand). Cytogenetic location: 7q36.1.
Variant type: single nucleotide variant.
Coding change: c.14063C>A on transcript NM_170606.3 (MANE Select); coding-DNA position 14063, C replaced by A.
Protein change: p.Thr4688Asn; replaces threonine 4688 with asparagine.
Molecular consequence: missense variant.
Genome position (GRCh38, 1-based): chr7:152,145,264, G>T on the plus strand (C>A on the coding strand, the complement: KMT2C is on the minus strand). VCF-style: chr7-152145264-G-T. GRCh37 (hg19) VCF-style: chr7-151842349-G-T.
Other names: short protein forms T4688N.
Identifiers: ClinVar variation 3900850 (VCV003900850.1).